The following is an entry in ClinVar:

NM_015466.4(PTPN23):c.3946_3947del (p.Leu1316fs)

Gene: PTPN23 (protein tyrosine phosphatase non-receptor type 23; plus strand). Cytogenetic location: 3p21.31.
Variant type: Deletion.
Coding change: c.3946_3947del on transcript NM_015466.4 (MANE Select); coding-DNA positions 3946 to 3947, 2 bases deleted (CT; older notation c.3946_3947delCT).
Protein change: p.Leu1316fs; shifts the reading frame from leucine 1316.
Molecular consequence: frameshift variant.
Genome position (GRCh38, 1-based): chr3:47,411,840-47,411,841, CT deleted. VCF-style (leftmost placement, unchanged base first): chr3-47411839-CCT-C. GRCh37 (hg19) VCF-style: chr3-47453329-CCT-C.
Other names: NP_056281.1:p.(Leu1316GlufsTer41); c.3568_3569del, p.Leu1190fs (NM_001304482.2); short protein forms L1190fs, L1316fs.
Identifiers: ClinVar variation 4851547 (VCV004851547.1).

ClinVar aggregate classification (germline): Likely pathogenic (1 of 4 stars; one submission).

Conditions:
Developmental and epileptic encephalopathy. Identifiers: MedGen C5779964, MONDO:0100620.

Submission:

Unidad de Genómica Garrahan, Hospital de Pediatría Garrahan
Classification: Likely pathogenic for Developmental and epileptic encephalopathy. Last evaluated: 2024-01-01. Review status: criteria provided, single submitter. Criteria: ACMG Guidelines, 2015. Collection method: clinical testing. Allele origin: paternal. Affected: yes. Observed: 1 variant allele.
Comment: ACMG/AMP criteria applied: PVS1_very strong, PM2_moderate. Observed in compound heterozygosity with NM_015466.4:c.164C>T; (p.Ala55Val).